The following is an entry in ClinVar:

ClinVar aggregate classification (germline): Likely benign. Review status: criteria provided, multiple submitters, no conflicts (2 of 4 stars). 3 submissions from 3 submitters: Likely benign (2). 1 of the submissions does not count toward it. Last evaluated 2026-08-01.

Conditions:
LARS2-related disorder. Also called: LARS2-related condition.

Allele frequency attached by ClinVar (database versions not stated): ExAC 0.00002; gnomAD exomes 0.00006; gnomAD 0.00007; TOPMed 0.00011; ESP Exome Variant Server 0.00023.
gnomAD v4.1: 93 of 1,613,916 alleles (0.0058%); highest among the groups gnomAD compares: African/African-American, 0.019%; no homozygotes.

Submissions (3):

CeGaT Center for Human Genetics Tuebingen
Classification: Likely benign. Last evaluated: 2026-08-01. Review status: criteria provided, single submitter. Criteria: CeGaT Center For Human Genetics Tuebingen Variant Classification Criteria Version 2. Collection method: clinical testing. Allele origin: germline. Affected: yes. Observed: 1 variant allele.
Comment: LARS2: BP4, BP7

Labcorp Genetics (formerly Invitae), Labcorp
Classification: Likely benign. Last evaluated: 2025-08-14. Review status: criteria provided, single submitter. Criteria: Invitae Variant Classification Sherloc (09022015). Collection method: clinical testing. Allele origin: germline.

PreventionGenetics, part of Exact Sciences
Classification: Likely benign for LARS2-related condition. Last evaluated: 2023-12-04. Review status: no assertion criteria provided. Collection method: clinical testing. Allele origin: germline. Not counted in ClinVar's aggregate classification.
Comment: This variant is classified as likely benign based on ACMG/AMP sequence variant interpretation guidelines (Richards et al. 2015 PMID: 25741868, with internal and published modifications).

NM_015340.4(LARS2):c.414C>T (p.Ala138=)

Gene: LARS2 (leucyl-tRNA synthetase 2, mitochondrial; plus strand). Cytogenetic location: 3p21.31.
Variant type: single nucleotide variant.
Coding change: c.414C>T on transcript NM_015340.4 (MANE Select); coding-DNA position 414, C replaced by T.
Protein change: p.Ala138=; no amino-acid change (alanine 138 retained).
Molecular consequence: synonymous variant.
Genome position (GRCh38, 1-based): chr3:45,417,532, C>T. VCF-style: chr3-45417532-C-T. GRCh37 (hg19) VCF-style: chr3-45459024-C-T.
Other names: c.414C>T (NM_015340.3); c.414C>T, p.Ala138= (NM_001368263.1).
Identifiers: ClinVar variation 2081860 (VCV002081860.7), dbSNP rs141415249, ClinGen allele CA2349294.
Genomic context (GRCh38, chr3:45,417,532, plus strand): 5'-TGGGTCCTAGGTCATCAACCCCATGGGATGGGATGCTTTTGGATTGCCTGCTGAAAATGC[C>T]GCAGTCGAGAGGAATCTACATCCACAAAGTTGGACACAAAGGTAAGTGTTTACAGGCATA-3'
Protein context (NP_056155.1, residues 128-148): WDAFGLPAEN[Ala138=]AVERNLHPQS